The following is an entry in ClinVar:

NM_001366385.1(CARD14):c.356T>A (p.Met119Lys)

Gene: CARD14 (caspase recruitment domain family member 14; plus strand). Cytogenetic location: 17q25.3.
Variant type: single nucleotide variant.
Coding change: c.356T>A on transcript NM_001366385.1 (MANE Select); coding-DNA position 356, T replaced by A.
Protein change: p.Met119Lys; replaces methionine 119 with lysine.
Molecular consequence: missense variant. On other transcripts: non-coding transcript variant (1).
Genome position (GRCh38, 1-based): chr17:80,183,919, T>A. VCF-style: chr17-80183919-T-A. GRCh37 (hg19) VCF-style: chr17-78157718-T-A.
Other names: c.356T>A, p.Met119Lys (NM_001257970.1, NM_024110.4); short protein forms M119K.
Identifiers: ClinVar variation 1678253 (VCV001678253.5), dbSNP rs1598639584, ClinGen allele CA401335549.

ClinVar aggregate classification (germline): Uncertain significance. Review status: criteria provided, multiple submitters, no conflicts (2 of 4 stars). 3 submissions from 3 submitters: Uncertain significance (3). Last evaluated 2025-02-25.

Conditions:
Psoriasis 2. Identifiers: MedGen C1864497, MONDO:0011269, OMIM 602723.
Pityriasis rubra pilaris (PRP). Also called: Pityriasis rubra pilaris--familial type. Identifiers: Orphanet 2897, MedGen C0032027, MONDO:0100017, OMIM 173200, MONDO:0008251.

Submissions (3):

GeneDx
Classification: Uncertain significance. Last evaluated: 2025-02-25. Review status: criteria provided, single submitter. Criteria: GeneDx Variant Classification Process June 2021. Collection method: clinical testing. Allele origin: germline. Affected: yes.
Comment: Not observed at significant frequency in large population cohorts (gnomAD); In silico analysis indicates that this missense variant does not alter protein structure/function; This variant is associated with the following publications: (PMID: 34116062)

Labcorp Genetics (formerly Invitae), Labcorp
Classification: Uncertain significance for Pityriasis rubra pilaris; Psoriasis 2. Last evaluated: 2023-03-24. Review status: criteria provided, single submitter. Criteria: Invitae Variant Classification Sherloc (09022015). Collection method: clinical testing. Allele origin: germline.
Comment: This sequence change replaces methionine, which is neutral and non-polar, with lysine, which is basic and polar, at codon 119 of the CARD14 protein (p.Met119Lys). This variant is not present in population databases (gnomAD no frequency). This variant has not been reported in the literature in individuals affected with CARD14-related conditions. ClinVar contains an entry for this variant (Variation ID: 1678253). Advanced modeling of protein sequence and biophysical properties (such as structural, functional, and spatial information, amino acid conservation, physicochemical variation, residue mobility, and thermodynamic stability) performed at Invitae indicates that this missense variant is not expected to disrupt CARD14 protein function. This variant disrupts the p.Met119 amino acid residue in CARD14. Other variant(s) that disrupt this residue have been determined to be pathogenic (PMID: 29477734, 34004138, 34448248). This suggests that this residue is clinically significant, and that variants that disrupt this residue are likely to be disease-causing. In summary, the available evidence is currently insufficient to determine the role of this variant in disease. Therefore, it has been classified as a Variant of Uncertain Significance.

AiLife Diagnostics
Classification: Uncertain significance. Last evaluated: 2020-07-02. Review status: criteria provided, single submitter. Criteria: ACMG Guidelines, 2015. Collection method: clinical testing. Allele origin: germline. Affected: yes. Observed: 1 variant allele.

Literature cited by the submitters: PubMed 29477734 (cited by Labcorp Genetics (formerly Invitae), Labcorp); PubMed 34004138 (cited by Labcorp Genetics (formerly Invitae), Labcorp); PubMed 34448248 (cited by Labcorp Genetics (formerly Invitae), Labcorp).